The following is an entry in ClinVar:

ClinVar aggregate classification (germline): Conflicting classifications of pathogenicity. Review status: criteria provided, conflicting classifications (1 of 4 stars). 8 submissions from 5 submitters: Uncertain significance (2); Benign (1); Likely benign (5). Last evaluated 2024-06-30.

Conditions:
Hypokalemic periodic paralysis, type 1. Also called: Hypokalemic Periodic Paralysis Type 1 (AD); HypoPP. Identifiers: Orphanet 681, MedGen C3714580, MONDO:0042979, OMIM 170400.
Malignant hyperthermia, susceptibility to, 5 (MHS5). Also called: CACNA1S-Related Malignant Hyperthermia Susceptibility. Identifiers: Orphanet 423, MedGen C1866077, MONDO:0011163, OMIM 601887.
Congenital myopathy 18. Also called: Myopathy, congenital, due to dihydropyridine receptor defect; DIHYDROPYRIDINE RECEPTOR CONGENITAL MYOPATHY; DHPR CONGENITAL MYOPATHY. Identifiers: MedGen C5830283, MONDO:0859514, OMIM 620246.
Thyrotoxic periodic paralysis, susceptibility to, 1 (TTPP1). Identifiers: Orphanet 79102, MedGen C2749982, MONDO:0008570, OMIM 188580.

Allele frequency attached by ClinVar (database versions not stated): TOPMed below 0.00001; gnomAD 0.00001; gnomAD exomes 0.00001; ExAC 0.00002.
gnomAD v4.1: 10 of 1,614,070 alleles (0.00062%); highest among the groups gnomAD compares: East Asian, 0.02%; no homozygotes.

Submissions (8):

Labcorp Genetics (formerly Invitae), Labcorp
Classification: Likely benign for Hypokalemic periodic paralysis, type 1; Malignant hyperthermia, susceptibility to, 5. Last evaluated: 2024-06-30. Review status: criteria provided, single submitter. Criteria: Invitae Variant Classification Sherloc (09022015). Collection method: clinical testing. Allele origin: germline.

All of Us Research Program, National Institutes of Health
Classification: Uncertain significance for Malignant hyperthermia, susceptibility to, 5. Last evaluated: 2023-10-02. Review status: criteria provided, single submitter. Criteria: ACMG Guidelines, 2015. Collection method: clinical testing. Allele origin: germline. Inheritance: Autosomal dominant inheritance. Observed: 1 variant allele, 1 heterozygote.
Comment: This missense variant replaces lysine with arginine at codon 219 of the CACNA1S protein. Computational prediction is inconclusive regarding the impact of this variant on protein structure and function (internally defined REVEL score threshold 0.5 < inconclusive < 0.7, PMID: 27666373). To our knowledge, functional studies have not been reported for this variant. This variant has not been reported in individuals affected with CACNA1S-related disorders in the literature. This variant has been identified in 3/251488 chromosomes in the general population by the Genome Aggregation Database (gnomAD). The available evidence is insufficient to determine the role of this variant in disease conclusively. Therefore, this variant is classified as a Variant of Uncertain Significance.

This study involves interpretation of variants in research participants for the purpose of population health screening. Participant phenotype was not available at the time of variant classification. Additional details can be found in publication PMID: 35346344, PMCID: PMC8962531

Color Diagnostics, LLC DBA Color Health
Classification: Uncertain significance for Malignant hyperthermia, susceptibility to, 5. Last evaluated: 2023-09-15. Review status: criteria provided, single submitter. Criteria: ACMG Guidelines, 2015. Collection method: clinical testing. Allele origin: germline.
Comment: This missense variant replaces lysine with arginine at codon 219 of the CACNA1S protein. Computational prediction is inconclusive regarding the impact of this variant on protein structure and function. To our knowledge, functional studies have not been reported for this variant. This variant has not been reported in individuals affected with CACNA1S-related disorders in the literature. This variant has been identified in 3/251488 chromosomes in the general population by the Genome Aggregation Database (gnomAD). The available evidence is insufficient to determine the role of this variant in disease conclusively. Therefore, this variant is classified as a Variant of Uncertain Significance.

Genome-Nilou Lab
Classification: Likely benign for Malignant hyperthermia, susceptibility to, 5. Last evaluated: 2023-04-11. Review status: criteria provided, single submitter. Criteria: ACMG Guidelines, 2015. Collection method: clinical testing. Allele origin: germline. Affected: no.

Genome-Nilou Lab
Classification: Likely benign for Thyrotoxic periodic paralysis, susceptibility to, 1. Last evaluated: 2023-04-11. Review status: criteria provided, single submitter. Criteria: ACMG Guidelines, 2015. Collection method: clinical testing. Allele origin: germline. Affected: no.

Genome-Nilou Lab
Classification: Likely benign for Congenital myopathy 18. Last evaluated: 2023-04-11. Review status: criteria provided, single submitter. Criteria: ACMG Guidelines, 2015. Collection method: clinical testing. Allele origin: germline. Affected: no.

Genome-Nilou Lab
Classification: Likely benign for Hypokalemic periodic paralysis, type 1. Last evaluated: 2023-04-11. Review status: criteria provided, single submitter. Criteria: ACMG Guidelines, 2015. Collection method: clinical testing. Allele origin: germline. Affected: no.

Illumina Laboratory Services, Illumina
Classification: Benign for Hypokalemic periodic paralysis, type 1. Last evaluated: 2018-01-13. Review status: criteria provided, single submitter. Criteria: ICSL Variant Classification Criteria 13 December 2019. Collection method: clinical testing. Allele origin: germline.
Comment: This variant was observed in the ICSL laboratory as part of a predisposition screen in an ostensibly healthy population. It had not been previously curated by ICSL or reported in the Human Gene Mutation Database (HGMD: prior to June 1st, 2018), and was therefore a candidate for classification through an automated scoring system. Utilizing variant allele frequency, disease prevalence and penetrance estimates, and inheritance mode, an automated score was calculated to assess if this variant is too frequent to cause the disease. Based on the score and internal cut-off values, a variant classified as benign is not then subjected to further curation. The score for this variant resulted in a classification of benign for this disease.

NM_000069.3(CACNA1S):c.656A>G (p.Lys219Arg)

Gene: CACNA1S (calcium voltage-gated channel subunit alpha1 S; minus strand). Cytogenetic location: 1q32.1.
Variant type: single nucleotide variant.
Coding change: c.656A>G on transcript NM_000069.3 (MANE Select); coding-DNA position 656, A replaced by G.
Protein change: p.Lys219Arg; replaces lysine 219 with arginine.
Molecular consequence: missense variant.
Genome position (GRCh38, 1-based): chr1:201,091,678, T>C on the plus strand (A>G on the coding strand, the complement: CACNA1S is on the minus strand). VCF-style: chr1-201091678-T-C. GRCh37 (hg19) VCF-style: chr1-201060806-T-C.
Other names: short protein forms K219R.
Identifiers: ClinVar variation 873987 (VCV000873987.11), dbSNP rs771569004, ClinGen allele CA083935.